The following is an entry in ClinVar:

ClinVar aggregate classification (germline): Benign/Likely benign. Review status: criteria provided, multiple submitters, no conflicts (2 of 4 stars). 3 submissions from 3 submitters: Benign (1); Likely benign (1). 1 of the submissions does not count toward it. Last evaluated 2025-12-30.

Conditions:
IDH2-related disorder. Also called: IDH2-related condition.
D-2-hydroxyglutaric aciduria 2 (D2HGA2). Identifiers: Orphanet 79315, MedGen C3150909, MONDO:0013345, OMIM 613657.

Allele frequency attached by ClinVar (database versions not stated): gnomAD exomes 0.00009 and 0.00025; ESP Exome Variant Server 0.00015; ExAC 0.00020; gnomAD 0.00024 and 0.00025; TOPMed 0.00028; 1000 Genomes Project 0.00040; 1000 Genomes Project 30x 0.00047.
gnomAD v4.1: 179 of 1,614,012 alleles (0.011%); highest among the groups gnomAD compares: Admixed American, 0.092%; no homozygotes.

Submissions (3):

Labcorp Genetics (formerly Invitae), Labcorp
Classification: Benign for D-2-hydroxyglutaric aciduria 2. Last evaluated: 2025-12-30. Review status: criteria provided, single submitter. Criteria: Invitae Variant Classification Sherloc (09022015). Collection method: clinical testing. Allele origin: germline.

Blueprint Genetics
Classification: Likely benign. Last evaluated: 2024-11-27. Review status: criteria provided, single submitter. Criteria: ACMG Guidelines, 2015. Collection method: clinical testing. Allele origin: germline.

PreventionGenetics, part of Exact Sciences
Classification: Likely benign for IDH2-related condition. Last evaluated: 2019-04-11. Review status: no assertion criteria provided. Collection method: clinical testing. Allele origin: germline. Not counted in ClinVar's aggregate classification.
Comment: This variant is classified as likely benign based on ACMG/AMP sequence variant interpretation guidelines (Richards et al. 2015 PMID: 25741868, with internal and published modifications).

NM_002168.4(IDH2):c.942T>C (p.Asp314=)

Gene: IDH2 (isocitrate dehydrogenase (NADP(+)) 2; minus strand). Cytogenetic location: 15q26.1.
Variant type: single nucleotide variant.
Coding change: c.942T>C on transcript NM_002168.4 (MANE Select); coding-DNA position 942, T replaced by C.
Protein change: p.Asp314=; no amino-acid change (aspartic acid 314 retained).
Molecular consequence: synonymous variant.
Genome position (GRCh38, 1-based): chr15:90,087,137, A>G on the plus strand (T>C on the coding strand, the complement: IDH2 is on the minus strand). VCF-style: chr15-90087137-A-G. GRCh37 (hg19) VCF-style: chr15-90630369-A-G.
Other names: c.786T>C, p.Asp262= (NM_001289910.1); c.552T>C, p.Asp184= (NM_001290114.2).
Identifiers: ClinVar variation 758347 (VCV000758347.13), dbSNP rs142721369, ClinGen allele CA7733023.